The following is an entry in ClinVar:

ClinVar aggregate classification (germline): Uncertain significance (1 of 4 stars; one submission).

Conditions:
Hereditary cancer-predisposing syndrome. Also called: Hereditary neoplastic syndrome; Tumor predisposition; Neoplastic Syndromes, Hereditary; Hereditary Cancer Syndrome. Identifiers: Orphanet 140162, MedGen C0027672, MeSH D009386, MONDO:0015356.

Submission:

Labcorp Genetics (formerly Invitae), Labcorp
Classification: Uncertain significance for Hereditary cancer-predisposing syndrome. Last evaluated: 2023-04-30. Review status: criteria provided, single submitter. Criteria: Invitae Variant Classification Sherloc (09022015). Collection method: clinical testing. Allele origin: germline.
Comment: In summary, the available evidence is currently insufficient to determine the role of this variant in disease. Therefore, it has been classified as a Variant of Uncertain Significance. Studies have shown that disruption of this splice site results in skipping of exon 10, but is expected to preserve the integrity of the reading-frame (Invitae). This variant has not been reported in the literature in individuals affected with RAD50-related conditions. This variant is not present in population databases (gnomAD no frequency). This sequence change affects a donor splice site in intron 10 of the RAD50 gene. RNA analysis indicates that disruption of this splice site induces altered splicing and likely results in a shortened protein product.

NM_005732.4(RAD50):c.1635+1G>A

Gene: RAD50 (RAD50 double strand break repair protein; plus strand). Cytogenetic location: 5q31.1.
Variant type: single nucleotide variant.
Coding change: c.1635+1G>A on transcript NM_005732.4 (MANE Select); the canonical splice donor site of the intron after coding-DNA position 1635, G replaced by A.
Molecular consequence: splice donor variant.
Genome position (GRCh38, 1-based): chr5:132,591,407, G>A. VCF-style: chr5-132591407-G-A. GRCh37 (hg19) VCF-style: chr5-131927099-G-A.
Identifiers: ClinVar variation 2860728 (VCV002860728.3), dbSNP rs2149842385, ClinGen allele CA360946219.